The following is an entry in ClinVar:

ClinVar aggregate classification (germline): Benign. Review status: criteria provided, multiple submitters, no conflicts (2 of 4 stars). 9 submissions from 7 submitters: Benign (7). 2 of the submissions do not count toward it. Last evaluated 2026-02-02.

Conditions:
Pyruvate dehydrogenase complex deficiency (PDHC). Also called: PYRUVATE DECARBOXYLASE DEFICIENCY; Pyruvate Dehydrogenase Complex Deficiency Disease; Pyruvate dehydrogenase deficiency; Ataxia with lactic acidosis 1; PDH DEFICIENCY. Identifiers: Orphanet 765, Orphanet 79243, MedGen C0034345, MONDO:0019169.
Pyruvate dehydrogenase E3 deficiency (DLDD). Also called: Dihydrolipoamide Dehydrogenase E3 Deficiency; Lipoamide dehydrogenase deficiency; Dihydrolipoamide Dehydrogenase (E3) Deficiency; Dihydrolipoamide Dehydrogenase Deficiency; MAPLE SYRUP URINE DISEASE, TYPE III; DLD DEFICIENCY. Identifiers: Orphanet 2394, Orphanet 765, MedGen C5574660, MONDO:0009529, OMIM 246900.
Leigh syndrome (NULS). Also called: LEIGH SYNDROME, NUCLEAR; Leigh's syndrome; Leigh Syndrome (mtDNA deletion); Leigh Disease; Subacute necrotizing encephalopathy; Necrotizing encephalopathy infantile subacute of Leigh. Identifiers: Orphanet 506, MedGen C2931891, MONDO:0009723, OMIM 256000.

Allele frequency attached by ClinVar (database versions not stated): gnomAD exomes 0.00082 and 0.00231; ExAC 0.00295; gnomAD 0.00921 and 0.00985; TOPMed 0.00985; ESP Exome Variant Server 0.01076; 1000 Genomes Project 0.01098; 1000 Genomes Project 30x 0.01249.
gnomAD v4.1: 2,643 of 1,613,914 alleles (0.16%); highest among the groups gnomAD compares: African/African-American, 3.1%; 39 homozygotes.

Submissions (9):

Labcorp Genetics (formerly Invitae), Labcorp
Classification: Benign for Pyruvate dehydrogenase E3 deficiency. Last evaluated: 2026-02-02. Review status: criteria provided, single submitter. Criteria: Invitae Variant Classification Sherloc (09022015). Collection method: clinical testing. Allele origin: germline.

ARUP Laboratories, Molecular Genetics and Genomics, ARUP Laboratories
Classification: Benign for Pyruvate dehydrogenase E3 deficiency. Last evaluated: 2019-04-05. Review status: criteria provided, single submitter. Criteria: ARUP Molecular Germline Variant Investigation Process. Collection method: clinical testing. Allele origin: germline.

Illumina Laboratory Services, Illumina
Classification: Benign for Pyruvate dehydrogenase complex deficiency. Last evaluated: 2018-01-13. Review status: criteria provided, single submitter. Criteria: ICSL Variant Classification Criteria 13 December 2019. Collection method: clinical testing. Allele origin: germline.
Comment: This variant was observed in the ICSL laboratory as part of a predisposition screen in an ostensibly healthy population. It had not been previously curated by ICSL or reported in the Human Gene Mutation Database (HGMD: prior to June 1st, 2018), and was therefore a candidate for classification through an automated scoring system. Utilizing variant allele frequency, disease prevalence and penetrance estimates, and inheritance mode, an automated score was calculated to assess if this variant is too frequent to cause the disease. Based on the score and internal cut-off values, a variant classified as benign is not then subjected to further curation. The score for this variant resulted in a classification of benign for this disease.

Illumina Laboratory Services, Illumina
Classification: Benign for Pyruvate dehydrogenase E3 deficiency. Last evaluated: 2018-01-13. Review status: criteria provided, single submitter. Criteria: ICSL Variant Classification Criteria 13 December 2019. Collection method: clinical testing. Allele origin: germline.
Comment: the same text as in the submission from Illumina Laboratory Services, Illumina above.

Illumina Laboratory Services, Illumina
Classification: Benign for Leigh syndrome. Last evaluated: 2018-01-13. Review status: criteria provided, single submitter. Criteria: ICSL Variant Classification Criteria 13 December 2019. Collection method: clinical testing. Allele origin: germline.
Comment: the same text as in the submission from Illumina Laboratory Services, Illumina above.

GeneDx
Classification: Benign. Last evaluated: 2012-12-20. Review status: criteria provided, single submitter. Criteria: GeneDx Variant Classification (06012015). Collection method: clinical testing. Allele origin: germline. Affected: yes.
Comment: This variant is considered likely benign or benign based on one or more of the following criteria: it is a conservative change, it occurs at a poorly conserved position in the protein, it is predicted to be benign by multiple in silico algorithms, and/or has population frequency not consistent with disease.

Breakthrough Genomics
Classification: Benign. Review status: criteria provided, single submitter. Criteria: ACMG Guidelines, 2015. Collection method: not provided. Allele origin: germline. Inheritance: Autosomal recessive inheritance. Affected: yes.

Natera, Inc.
Classification: Benign for Maple syrup urine disease type 3. Last evaluated: 2020-09-16. Review status: no assertion criteria provided. Collection method: clinical testing. Allele origin: germline. Not counted in ClinVar's aggregate classification.

Mayo Clinic Laboratories, Mayo Clinic
Classification: Likely benign. Last evaluated: 2016-03-16. Review status: no assertion criteria provided. Collection method: clinical testing. Allele origin: unknown. Not counted in ClinVar's aggregate classification.

NM_000108.5(DLD):c.249T>C (p.Val83=)

Gene: DLD (dihydrolipoamide dehydrogenase; plus strand). Cytogenetic location: 7q31.1.
Variant type: single nucleotide variant.
Coding change: c.249T>C on transcript NM_000108.5 (MANE Select); coding-DNA position 249, T replaced by C.
Protein change: p.Val83=; no amino-acid change (valine 83 retained).
Molecular consequence: synonymous variant. On other transcripts: intron variant (2).
Genome position (GRCh38, 1-based): chr7:107,902,375, T>C. VCF-style: chr7-107902375-T-C. GRCh37 (hg19) VCF-style: chr7-107542820-T-C.
Other names: p.V83V:GTT>GTC; c.249T>C, p.Val83= (NM_001289752.1); c.198+558T>C (NM_001289751.1); c.-30-1103T>C (NM_001289750.1).
Identifiers: ClinVar variation 137092 (VCV000137092.28), dbSNP rs2228664, ClinGen allele CA290603.